The following is an entry in ClinVar:

ClinVar aggregate classification (germline): Uncertain significance (1 of 4 stars; one submission).

Conditions:
Inborn genetic diseases. Identifiers: MedGen C0950123, MeSH D030342.

Allele frequency attached by ClinVar (database versions not stated): TOPMed 0.00001.

Submission:

Ambry Genetics
Classification: Uncertain significance for Inborn genetic diseases. Last evaluated: 2024-12-28. Review status: criteria provided, single submitter. Criteria: Ambry Variant Classification Scheme 2023. Collection method: clinical testing. Allele origin: germline.
Comment: The p.K1567E variant (also known as c.4699A>G), located in coding exon 19 of the FANCM gene, results from an A to G substitution at nucleotide position 4699. The lysine at codon 1567 is replaced by glutamic acid, an amino acid with similar properties. This amino acid position is conserved. In addition, the in silico prediction for this alteration is inconclusive. Based on the available evidence, the clinical significance of this variant remains unclear.

NM_020937.4(FANCM):c.4699A>G (p.Lys1567Glu)

Gene: FANCM (FA complementation group M; plus strand). Cytogenetic location: 14q21.2.
Variant type: single nucleotide variant.
Coding change: c.4699A>G on transcript NM_020937.4 (MANE Select); coding-DNA position 4699, A replaced by G.
Protein change: p.Lys1567Glu; replaces lysine 1567 with glutamic acid.
Molecular consequence: missense variant.
Genome position (GRCh38, 1-based): chr14:45,187,807, A>G. VCF-style: chr14-45187807-A-G. GRCh37 (hg19) VCF-style: chr14-45657010-A-G.
Other names: c.4621A>G, p.Lys1541Glu (NM_001308133.2); short protein forms K1541E, K1567E.
Identifiers: ClinVar variation 2616112 (VCV002616112.3), dbSNP rs1312455073, ClinGen allele CA389609809.